The following is an entry in ClinVar:

ClinVar aggregate classification (germline): Conflicting classifications of pathogenicity. Review status: criteria provided, conflicting classifications (1 of 4 stars). 5 submissions from 5 submitters: Uncertain significance (1); Likely benign (2). 2 of the submissions do not count toward it. Last evaluated 2025-12-30.

Conditions:
DYSF-related disorder. Also called: DYSF-related condition; DYSF-related disorders.
Neuromuscular disease caused by qualitative or quantitative defects of dysferlin. Also called: Dysferlinopathy; Qualitative or quantitative defects of dysferlin. Identifiers: Orphanet 207073, MedGen C2931687, MONDO:0016145.
Autosomal recessive limb-girdle muscular dystrophy type 2B (LGMDR2). Also called: MUSCULAR DYSTROPHY, LIMB-GIRDLE, AUTOSOMAL RECESSIVE 2; Limb-girdle muscular dystrophy, type 2B; Limb-Girdle Muscular Dystrophy Type 2B (LGMD2B); MUSCULAR DYSTROPHY, LIMB-GIRDLE, TYPE 3. Identifiers: Orphanet 268, MedGen C1850889, MONDO:0009676, OMIM 253601.

Allele frequency attached by ClinVar (database versions not stated): ExAC 0.00007; gnomAD exomes 0.00008 and 0.00019; gnomAD 0.00011 and 0.00012; TOPMed 0.00014; ESP Exome Variant Server 0.00023.
gnomAD v4.1: 299 of 1,613,634 alleles (0.019%); highest among the groups gnomAD compares: Non-Finnish European, 0.023%; no homozygotes.

Submissions (5):

Labcorp Genetics (formerly Invitae), Labcorp
Classification: Likely benign for Neuromuscular disease caused by qualitative or quantitative defects of dysferlin. Last evaluated: 2025-12-30. Review status: criteria provided, single submitter. Criteria: Invitae Variant Classification Sherloc (09022015). Collection method: clinical testing. Allele origin: germline.

Blueprint Genetics
Classification: Likely benign. Last evaluated: 2024-01-19. Review status: criteria provided, single submitter. Criteria: ACMG Guidelines, 2015. Collection method: clinical testing. Allele origin: germline.

Eurofins Ntd Llc (ga)
Classification: Uncertain significance. Last evaluated: 2015-12-04. Review status: criteria provided, single submitter. Criteria: EGL Classification Definitions 2015. Collection method: clinical testing. Allele origin: germline. Observed: 1 variant allele, 1 heterozygote.

Natera, Inc.
Classification: Uncertain significance for Limb-girdle muscular dystrophy type 2B. Last evaluated: 2020-01-24. Review status: no assertion criteria provided. Collection method: clinical testing. Allele origin: germline. Not counted in ClinVar's aggregate classification.

PreventionGenetics, part of Exact Sciences
Classification: Likely benign for DYSF-related condition. Last evaluated: 2019-06-21. Review status: no assertion criteria provided. Collection method: clinical testing. Allele origin: germline. Not counted in ClinVar's aggregate classification.
Comment: This variant is classified as likely benign based on ACMG/AMP sequence variant interpretation guidelines (Richards et al. 2015 PMID: 25741868, with internal and published modifications).

NM_001130987.2(DYSF):c.2864+8G>A

Gene: DYSF (dysferlin; plus strand). Cytogenetic location: 2p13.2.
Variant type: single nucleotide variant.
Coding change: c.2864+8G>A on transcript NM_001130987.2 (MANE Select); 8 bases into the intron after coding-DNA position 2864, G replaced by A.
Molecular consequence: intron variant.
Genome position (GRCh38, 1-based): chr2:71,568,346, G>A. VCF-style: chr2-71568346-G-A. GRCh37 (hg19) VCF-style: chr2-71795476-G-A.
Other names: c.2903+8G>A (NM_001130979.2); c.2861+8G>A (NM_001130981.2, NM_001130980.2); c.2810+8G>A (NM_001130978.2, NM_003494.4); c.2768+8G>A (NM_001130977.2, NM_001130976.2); c.2906+8G>A (NM_001130982.2); c.2864+8G>A (NM_001130985.2); c.2813+8G>A (NM_001130983.2, NM_001130455.2); c.2771+8G>A (NM_001130984.2, NM_001130986.2).
Identifiers: ClinVar variation 284817 (VCV000284817.18), dbSNP rs371686795, ClinGen allele CA1706300.